The following is an entry in ClinVar:

NM_002047.4(GARS1):c.1155G>C (p.Gln385His)

Gene: GARS1 (glycyl-tRNA synthetase 1; plus strand). Cytogenetic location: 7p14.3.
Variant type: single nucleotide variant.
Coding change: c.1155G>C on transcript NM_002047.4 (MANE Select); coding-DNA position 1155, G replaced by C.
Protein change: p.Gln385His; replaces glutamine 385 with histidine.
Molecular consequence: missense variant.
Genome position (GRCh38, 1-based): chr7:30,616,019, G>C. VCF-style: chr7-30616019-G-C. GRCh37 (hg19) VCF-style: chr7-30655635-G-C.
Other names: c.1155G>C (LRG_243t1); c.993G>C, p.Gln331His (NM_001316772.1); short protein forms Q385H, Q331H.
Identifiers: ClinVar variation 666006 (VCV000666006.6), dbSNP rs1584038245, ClinGen allele CA367126412.

ClinVar aggregate classification (germline): Uncertain significance (1 of 4 stars; one submission).

Conditions:
Charcot-Marie-Tooth disease type 2. Also called: Charcot-Marie-Tooth type 2. Identifiers: Orphanet 64746, MedGen C0270914, MONDO:0018993.

Submission:

Labcorp Genetics (formerly Invitae), Labcorp
Classification: Uncertain significance for Charcot-Marie-Tooth disease type 2. Last evaluated: 2021-12-17. Review status: criteria provided, single submitter. Criteria: Invitae Variant Classification Sherloc (09022015). Collection method: clinical testing. Allele origin: germline.
Comment: This sequence change replaces glutamine, which is neutral and polar, with histidine, which is basic and polar, at codon 385 of the GARS protein (p.Gln385His). In summary, the available evidence is currently insufficient to determine the role of this variant in disease. Therefore, it has been classified as a Variant of Uncertain Significance. Algorithms developed to predict the effect of missense changes on protein structure and function (SIFT, PolyPhen-2, Align-GVGD) all suggest that this variant is likely to be tolerated. ClinVar contains an entry for this variant (Variation ID: 666006). This variant has not been reported in the literature in individuals affected with GARS-related conditions. This variant is not present in population databases (gnomAD no frequency).